The following is an entry in ClinVar:

NM_000784.4(CYP27A1):c.1237G>A (p.Val413Ile)

Gene: CYP27A1 (cytochrome P450 family 27 subfamily A member 1; plus strand). Cytogenetic location: 2q35.
Variant type: single nucleotide variant.
Coding change: c.1237G>A on transcript NM_000784.4 (MANE Select); coding-DNA position 1237, G replaced by A.
Protein change: p.Val413Ile; replaces valine 413 with isoleucine.
Molecular consequence: missense variant.
Genome position (GRCh38, 1-based): chr2:218,814,432, G>A. VCF-style: chr2-218814432-G-A. GRCh37 (hg19) VCF-style: chr2-219679155-G-A.
Other names: short protein forms V413I.
Identifiers: ClinVar variation 2565612 (VCV002565612.2), dbSNP rs1943764350, ClinGen allele CA350593330.

ClinVar aggregate classification (germline): Uncertain significance (1 of 4 stars; one submission).

Conditions:
Cardiovascular phenotype. Identifiers: MedGen CN230736.

Allele frequency attached by ClinVar (database versions not stated): gnomAD exomes below 0.00001; TOPMed below 0.00001; gnomAD 0.00001.
gnomAD v4.1: 2 of 1,614,144 alleles (0.00012%); highest among the groups gnomAD compares: Non-Finnish European, 0.00017%; no homozygotes.

Submission:

Ambry Genetics
Classification: Uncertain significance for Cardiovascular phenotype. Last evaluated: 2023-05-21. Review status: criteria provided, single submitter. Criteria: Ambry Variant Classification Scheme 2023. Collection method: clinical testing. Allele origin: germline.
Comment: The p.V413I variant (also known as c.1237G>A), located in coding exon 7 of the CYP27A1 gene, results from a G to A substitution at nucleotide position 1237. The valine at codon 413 is replaced by isoleucine, an amino acid with highly similar properties. This amino acid position is conserved. In addition, this alteration is predicted to be tolerated by in silico analysis. Since supporting evidence is limited at this time, the clinical significance of this alteration remains unclear.